The following is an entry in ClinVar:

NM_006767.4(LZTR1):c.1104C>G (p.Asp368Glu)

Gene: LZTR1 (leucine zipper like post translational regulator 1; plus strand). Cytogenetic location: 22q11.21.
Variant type: single nucleotide variant.
Coding change: c.1104C>G on transcript NM_006767.4 (MANE Select); coding-DNA position 1104, C replaced by G.
Protein change: p.Asp368Glu; replaces aspartic acid 368 with glutamic acid.
Molecular consequence: missense variant.
Genome position (GRCh38, 1-based): chr22:20,992,324, C>G. VCF-style: chr22-20992324-C-G. GRCh37 (hg19) VCF-style: chr22-21346613-C-G.
Other names: short protein forms D368E.
Identifiers: ClinVar variation 1486033 (VCV001486033.11), dbSNP rs1271934002, ClinGen allele CA410782065.

ClinVar aggregate classification (germline): Conflicting classifications of pathogenicity. Review status: criteria provided, conflicting classifications (1 of 4 stars). 3 submissions from 3 submitters: Uncertain significance (2); Likely benign (1). Last evaluated 2024-08-07.

Conditions:
Hereditary cancer-predisposing syndrome. Also called: Hereditary neoplastic syndrome; Neoplastic Syndromes, Hereditary; Hereditary Cancer Syndrome; Tumor predisposition. Identifiers: Orphanet 140162, MedGen C0027672, MeSH D009386, MONDO:0015356.
Cardiovascular phenotype. Identifiers: MedGen CN230736.
LZTR1-related schwannomatosis. Also called: Schwannomatosis 2; Schwannomatosis-2, susceptibility to. Identifiers: Orphanet 93921, MedGen C3810283, MONDO:0014299, OMIM 615670.

Allele frequency attached by ClinVar (database versions not stated): gnomAD exomes 0.00001; TOPMed 0.00001.
gnomAD v4.1: 4 of 1,613,946 alleles (0.00025%); highest among the groups gnomAD compares: African/African-American, 0.004%; no homozygotes.

Submissions (3):

Labcorp Genetics (formerly Invitae), Labcorp
Classification: Uncertain significance. Last evaluated: 2024-08-07. Review status: criteria provided, single submitter. Criteria: Invitae Variant Classification Sherloc (09022015). Collection method: clinical testing. Allele origin: germline.
Comment: This sequence change replaces aspartic acid, which is acidic and polar, with glutamic acid, which is acidic and polar, at codon 368 of the LZTR1 protein (p.Asp368Glu). This variant is present in population databases (no rsID available, gnomAD 0.01%). This variant has not been reported in the literature in individuals affected with LZTR1-related conditions. ClinVar contains an entry for this variant (Variation ID: 1486033). Advanced modeling of protein sequence and biophysical properties (such as structural, functional, and spatial information, amino acid conservation, physicochemical variation, residue mobility, and thermodynamic stability) performed at Invitae indicates that this missense variant is not expected to disrupt LZTR1 protein function with a negative predictive value of 80%. In summary, the available evidence is currently insufficient to determine the role of this variant in disease. Therefore, it has been classified as a Variant of Uncertain Significance.

Ambry Genetics
Classification: Likely benign for Cardiovascular phenotype; Hereditary cancer-predisposing syndrome. Last evaluated: 2024-01-16. Review status: criteria provided, single submitter. Criteria: Ambry Variant Classification Scheme 2023. Collection method: clinical testing. Allele origin: germline.

Baylor Genetics
Classification: Uncertain significance for LZTR1-related schwannomatosis. Last evaluated: 2023-10-29. Review status: criteria provided, single submitter. Criteria: ACMG Guidelines, 2015. Collection method: clinical testing. Allele origin: unknown.